The following is an entry in ClinVar:

ClinVar aggregate classification (germline): Uncertain significance (1 of 4 stars; one submission).

Conditions:
Ataxia-telangiectasia syndrome (AT). Also called: ATAXIA-TELANGIECTASIA, COMPLEMENTATION GROUP A; Ataxia telangiectasia (A-T); Cerebello-oculocutaneous telangiectasia; Immunodeficiency with ataxia telangiectasia; LOUIS-BAR SYNDROME; ATAXIA-TELANGIECTASIA, FRESNO VARIANT. Identifiers: Orphanet 100, MedGen C0004135, MONDO:0008840, OMIM 208900.

Submission:

Labcorp Genetics (formerly Invitae), Labcorp
Classification: Uncertain significance for Ataxia-telangiectasia syndrome. Last evaluated: 2022-12-17. Review status: criteria provided, single submitter. Criteria: Invitae Variant Classification Sherloc (09022015). Collection method: clinical testing. Allele origin: germline.
Comment: In summary, the available evidence is currently insufficient to determine the role of this variant in disease. Therefore, it has been classified as a Variant of Uncertain Significance. Advanced modeling of protein sequence and biophysical properties (such as structural, functional, and spatial information, amino acid conservation, physicochemical variation, residue mobility, and thermodynamic stability) performed at Invitae indicates that this missense variant is not expected to disrupt ATM protein function. This variant has not been reported in the literature in individuals affected with ATM-related conditions. This variant is not present in population databases (gnomAD no frequency). This sequence change replaces valine, which is neutral and non-polar, with aspartic acid, which is acidic and polar, at codon 101 of the ATM protein (p.Val101Asp).

NM_000051.4(ATM):c.302T>A (p.Val101Asp)

Gene: ATM (ATM serine/threonine kinase; plus strand). Cytogenetic location: 11q22.3.
Variant type: single nucleotide variant.
Coding change: c.302T>A on transcript NM_000051.4 (MANE Select); coding-DNA position 302, T replaced by A.
Protein change: p.Val101Asp; replaces valine 101 with aspartic acid.
Molecular consequence: missense variant.
Genome position (GRCh38, 1-based): chr11:108,229,294, T>A. VCF-style: chr11-108229294-T-A. GRCh37 (hg19) VCF-style: chr11-108100021-T-A.
Other names: c.302T>A, p.Val101Asp (NM_001351834.2, NM_001351835.2, NM_001351836.2); short protein forms V101D.
Identifiers: ClinVar variation 2821820 (VCV002821820.3), dbSNP rs2135037352, ClinGen allele CA382521740.